The following is an entry in ClinVar:

NM_181078.3(IL21R):c.481A>G (p.Arg161Gly)

Gene: IL21R (interleukin 21 receptor; plus strand). Cytogenetic location: 16p12.1.
Variant type: single nucleotide variant.
Coding change: c.481A>G on transcript NM_181078.3 (MANE Select); coding-DNA position 481, A replaced by G.
Protein change: p.Arg161Gly; replaces arginine 161 with glycine.
Molecular consequence: missense variant.
Genome position (GRCh38, 1-based): chr16:27,443,090, A>G. VCF-style: chr16-27443090-A-G. GRCh37 (hg19) VCF-style: chr16-27454411-A-G.
Other names: c.481A>G, p.Arg161Gly (NM_021798.4); c.547A>G, p.Arg183Gly (NM_181079.5); short protein forms R183G, R161G.
Identifiers: ClinVar variation 948560 (VCV000948560.1), dbSNP rs2087418017, ClinGen allele CA395302294.

ClinVar aggregate classification (germline): Uncertain significance (1 of 4 stars; one submission).

Conditions:
Cryptosporidiosis-chronic cholangitis-liver disease syndrome. Also called: Immunodeficiency type 56; IL21R immunodeficiency. Identifiers: Orphanet 357329, MedGen C3554687, MONDO:0014082, OMIM 615207.

gnomAD v4.1: 1 of 1,613,558 alleles (0.000062%); highest among the groups gnomAD compares: Non-Finnish European, 0.000085%; no homozygotes.

Submission:

Labcorp Genetics (formerly Invitae), Labcorp
Classification: Uncertain significance for IL21R immunodeficiency. Last evaluated: 2019-07-03. Review status: criteria provided, single submitter. Criteria: Invitae Variant Classification Sherloc (09022015). Collection method: clinical testing. Allele origin: germline.
Comment: This sequence change replaces arginine with glycine at codon 161 of the IL21R protein (p.Arg161Gly). The arginine residue is highly conserved and there is a moderate physicochemical difference between arginine and glycine. This variant is not present in population databases (ExAC no frequency). This variant has not been reported in the literature in individuals with IL21R-related conditions. Algorithms developed to predict the effect of missense changes on protein structure and function (SIFT, PolyPhen-2, Align-GVGD) all suggest that this variant is likely to be disruptive, but these predictions have not been confirmed by published functional studies and their clinical significance is uncertain. In summary, the available evidence is currently insufficient to determine the role of this variant in disease. Therefore, it has been classified as a Variant of Uncertain Significance.